The following is an entry in ClinVar:

NM_000051.4(ATM):c.4131T>C (p.Asn1377=)

Gene: ATM (ATM serine/threonine kinase; plus strand). Cytogenetic location: 11q22.3.
Variant type: single nucleotide variant.
Coding change: c.4131T>C on transcript NM_000051.4 (MANE Select); coding-DNA position 4131, T replaced by C.
Protein change: p.Asn1377=; no amino-acid change (asparagine 1377 retained).
Molecular consequence: synonymous variant.
Genome position (GRCh38, 1-based): chr11:108,288,998, T>C. VCF-style: chr11-108288998-T-C. GRCh37 (hg19) VCF-style: chr11-108159725-T-C.
Other names: c.4131T>C, p.Asn1377= (NM_001351834.2).
Identifiers: ClinVar variation 1667609 (VCV001667609.11), dbSNP rs2082639582, ClinGen allele CA476673683.

ClinVar aggregate classification (germline): Benign/Likely benign. Review status: criteria provided, multiple submitters, no conflicts (2 of 4 stars). 3 submissions from 3 submitters: Benign (1); Likely benign (2). Last evaluated 2025-08-29.

Conditions:
Hereditary cancer-predisposing syndrome. Also called: Hereditary neoplastic syndrome; Hereditary Cancer Syndrome; Tumor predisposition; Neoplastic Syndromes, Hereditary. Identifiers: Orphanet 140162, MedGen C0027672, MeSH D009386, MONDO:0015356.
Ataxia-telangiectasia syndrome (AT). Also called: Cerebello-oculocutaneous telangiectasia; Immunodeficiency with ataxia telangiectasia; LOUIS-BAR SYNDROME; Ataxia-telangiectasia, complementation group D; AT, COMPLEMENTATION GROUP C; Ataxia-telangiectasia, complementation group E. Identifiers: Orphanet 100, MedGen C0004135, MONDO:0008840, OMIM 208900.
Familial cancer of breast. Also called: hereditary breast carcinoma; BREAST CANCER, FAMILIAL; Hereditary breast cancer. Identifiers: Orphanet 227535, MedGen C0346153, MONDO:0016419, OMIM 114480. Disease mechanism: loss of function.

Allele frequency attached by ClinVar (database versions not stated): TOPMed below 0.00001.

Submissions (3):

Labcorp Genetics (formerly Invitae), Labcorp
Classification: Likely benign for Ataxia-telangiectasia syndrome. Last evaluated: 2025-08-29. Review status: criteria provided, single submitter. Criteria: Invitae Variant Classification Sherloc (09022015). Collection method: clinical testing. Allele origin: germline.

Myriad Genetics, Inc.
Classification: Benign for Familial cancer of breast. Last evaluated: 2024-05-16. Review status: criteria provided, single submitter. Criteria: Myriad Autosomal Dominant, Autosomal Recessive and X-Linked Classification Criteria (2023). Collection method: clinical testing. Allele origin: unknown.
Comment: This variant is considered benign. This variant is a silent/synonymous amino acid change and it is not expected to impact splicing.

Ambry Genetics
Classification: Likely benign for Hereditary cancer-predisposing syndrome. Last evaluated: 2022-10-30. Review status: criteria provided, single submitter. Criteria: Ambry Variant Classification Scheme 2023. Collection method: clinical testing. Allele origin: germline.